The following is an entry in ClinVar:

NM_015602.4(TOR1AIP1):c.308C>T (p.Ala103Val)

Genes: TOR1AIP1 (torsin 1A interacting protein 1; plus strand), LOC112577517 (Sharpr-MPRA regulatory region 13766; plus strand). Cytogenetic location: 1q25.2.
Variant type: single nucleotide variant.
Coding change: c.308C>T on transcript NM_015602.4 (MANE Select); coding-DNA position 308, C replaced by T.
Protein change: p.Ala103Val; replaces alanine 103 with valine.
Molecular consequence: missense variant.
Genome position (GRCh38, 1-based): chr1:179,882,810, C>T. VCF-style: chr1-179882810-C-T. GRCh37 (hg19) VCF-style: chr1-179851945-C-T.
Other names: c.308C>T, p.Ala103Val (NM_001267578.2); short protein forms A103V.
Identifiers: ClinVar variation 1039224 (VCV001039224.5), dbSNP rs777465166, ClinGen allele CA1268713.

ClinVar aggregate classification (germline): Uncertain significance (1 of 4 stars; one submission).

Conditions:
Autosomal recessive limb-girdle muscular dystrophy type 2Y (MRRSDC). Also called: Muscular dystrophy, autosomal recessive, with rigid spine and distal joint contractures; Muscular dystrophy, limb-girdle, type 2y. Identifiers: Orphanet 424261, MedGen C4511482, MONDO:0014900, OMIM 617072.

Allele frequency attached by ClinVar (database versions not stated): gnomAD exomes 0.00001 and 0.00003; TOPMed 0.00001; ExAC 0.00002.

Submission:

Labcorp Genetics (formerly Invitae), Labcorp
Classification: Uncertain significance for Autosomal recessive limb-girdle muscular dystrophy type 2Y. Last evaluated: 2022-03-08. Review status: criteria provided, single submitter. Criteria: Invitae Variant Classification Sherloc (09022015). Collection method: clinical testing. Allele origin: germline.
Comment: In summary, the available evidence is currently insufficient to determine the role of this variant in disease. Therefore, it has been classified as a Variant of Uncertain Significance. Algorithms developed to predict the effect of missense changes on protein structure and function output the following: SIFT: "Deleterious"; PolyPhen-2: "Benign"; Align-GVGD: "Class C0". The valine amino acid residue is found in multiple mammalian species, which suggests that this missense change does not adversely affect protein function. ClinVar contains an entry for this variant (Variation ID: 1039224). This variant has not been reported in the literature in individuals affected with TOR1AIP1-related conditions. This variant is present in population databases (rs777465166, gnomAD 0.003%). This sequence change replaces alanine, which is neutral and non-polar, with valine, which is neutral and non-polar, at codon 103 of the TOR1AIP1 protein (p.Ala103Val).